The following is an entry in ClinVar:

ClinVar aggregate classification (germline): Likely pathogenic (1 of 4 stars; one submission).

Conditions:
Rare genetic deafness. Identifiers: Orphanet 96210, MedGen C5680250.

Submission:

Laboratory for Molecular Medicine, Mass General Brigham Personalized Medicine
Classification: Likely pathogenic for Rare genetic deafness. Last evaluated: 2018-12-14. Review status: criteria provided, single submitter. Criteria: LMM Criteria. Collection method: clinical testing. Allele origin: germline. Inheritance: Autosomal dominant inheritance. Observed: 2 variant alleles.
Comment: The p.Tyr87PhefsX11 variant in MYO6 has not been previously reported in individu als with hearing loss and was absent from large population studies. This variant is predicted to cause a frameshift, which alters the protein?s amino acid seque nce beginning at position 87 and leads to a premature termination codon 11 amino acids downstream. This alteration is then predicted to lead to a truncated or a bsent protein. Loss of function of the MYO6 gene is an established disease mecha nism in autosomal dominant hearing loss. In summary, although additional studies are required to fully establish its clinical significance, this variant meets c riteria to be classified as likely pathogenic for autosomal dominant hearing los s. ACMG/AMP Criteria applied: PVS1, PM2.

NM_004999.4(MYO6):c.258_259delinsCTTTACTAAA (p.Tyr87fs)

Gene: MYO6 (myosin VI; plus strand). Cytogenetic location: 6q14.1.
Variant type: Indel.
Coding change: c.258_259delinsCTTTACTAAA on transcript NM_004999.4 (MANE Select); coding-DNA positions 258 to 259, TT replaced by CTTTACTAAA.
Protein change: p.Tyr87fs; shifts the reading frame from tyrosine 87.
Molecular consequence: frameshift variant. On other transcripts: non-coding transcript variant (2).
Genome position (GRCh38, 1-based): chr6:75,828,610-75,828,611, TT replaced by CTTTACTAAA. VCF-style: chr6-75828610-TT-CTTTACTAAA. GRCh37 (hg19) VCF-style: chr6-76538327-TT-CTTTACTAAA.
Other names: c.258_259delinsCTTTACTAAA, p.Tyr87fs (NM_001368136.1, NM_001368137.1, NM_001368138.1 and 5 more transcripts); short protein forms Y87fs.
Identifiers: ClinVar variation 667412 (VCV000667412.4), dbSNP rs1583208411, ClinGen allele CA915944347.